The following is an entry in ClinVar:

NM_020706.2(SCAF4):c.1664A>T (p.Asp555Val)

Gene: SCAF4 (SR-related CTD associated factor 4; minus strand). Cytogenetic location: 21q22.11.
Variant type: single nucleotide variant.
Coding change: c.1664A>T on transcript NM_020706.2 (MANE Select); coding-DNA position 1664, A replaced by T.
Protein change: p.Asp555Val; replaces aspartic acid 555 with valine.
Molecular consequence: missense variant.
Genome position (GRCh38, 1-based): chr21:31,691,881, T>A on the plus strand (A>T on the coding strand, the complement: SCAF4 is on the minus strand). VCF-style: chr21-31691881-T-A. GRCh37 (hg19) VCF-style: chr21-33064194-T-A.
Other names: c.1619A>T, p.Asp540Val (NM_001145444.1); c.1664A>T, p.Asp555Val (NM_001145445.1); short protein forms D540V, D555V.
Identifiers: ClinVar variation 5018681 (VCV005018681.2).

ClinVar aggregate classification (germline): Uncertain significance (1 of 4 stars; one submission).

Conditions:
Fliedner-Zweier syndrome (FZS). Identifiers: MedGen C5882693, MONDO:0957787, OMIM 620511.

Submission:

Juno Genomics, Hangzhou Juno Genomics, Inc
Classification: Uncertain significance for Fliedner-Zweier syndrome. Review status: criteria provided, single submitter. Criteria: ACMG Guidelines, 2015. Collection method: clinical testing. Allele origin: germline.
Comment: Absent from controls (or at extremely low frequency if recessive) in Genome Aggregation Database.;Multiple lines of computational evidence support a deleterious effect on the gene or gene product.